The following is an entry in ClinVar:

ClinVar aggregate classification (germline): Likely benign (0 of 4 stars; one submission).

Conditions:
MDN1-related disorder. Also called: MDN1-related condition.

Allele frequency attached by ClinVar (database versions not stated): TOPMed 0.00007; gnomAD 0.00036; gnomAD exomes 0.00042; ExAC 0.00104; 1000 Genomes Project 30x 0.00437; 1000 Genomes Project 0.00479.
gnomAD v4.1: 674 of 1,614,152 alleles (0.042%); highest among the groups gnomAD compares: South Asian, 0.7%; 7 homozygotes.

Submission:

PreventionGenetics, part of Exact Sciences
Classification: Likely benign for MDN1-related condition. Last evaluated: 2019-04-19. Review status: no assertion criteria provided. Collection method: clinical testing. Allele origin: germline.
Comment: This variant is classified as likely benign based on ACMG/AMP sequence variant interpretation guidelines (Richards et al. 2015 PMID: 25741868, with internal and published modifications).

NM_014611.3(MDN1):c.11651A>G (p.His3884Arg)

Genes: MDN1 (midasin AAA ATPase 1; minus strand), MDN1-AS1 (MDN1 antisense RNA 1; plus strand). Cytogenetic location: 6q15.
Variant type: single nucleotide variant.
Coding change: c.11651A>G on transcript NM_014611.3 (MANE Select); coding-DNA position 11651, A replaced by G.
Protein change: p.His3884Arg; replaces histidine 3884 with arginine.
Molecular consequence: missense variant. On other transcripts: non-coding transcript variant (1).
Genome position (GRCh38, 1-based): chr6:89,685,895, T>C on the plus strand (A>G on the coding strand, the complement: MDN1 is on the minus strand). VCF-style: chr6-89685895-T-C. GRCh37 (hg19) VCF-style: chr6-90395614-T-C.
Other names: short protein forms H3884R.
Identifiers: ClinVar variation 3044873 (VCV003044873.2), dbSNP rs577186486, ClinGen allele CA3923267.